The following is an entry in ClinVar:

ClinVar aggregate classification (germline): Likely benign. Review status: criteria provided, multiple submitters, no conflicts (2 of 4 stars). 3 submissions from 3 submitters: Likely benign (3). Last evaluated 2025-06-02.

Conditions:
Tuberous sclerosis 2 (TSC2). Identifiers: Orphanet 805, MedGen C1860707, MONDO:0013199, OMIM 613254.

Allele frequency attached by ClinVar (database versions not stated): TOPMed below 0.00001.

Submissions (3):

Myriad Genetics, Inc.
Classification: Likely benign for Tuberous sclerosis 2. Last evaluated: 2025-06-02. Review status: criteria provided, single submitter. Criteria: Myriad Autosomal Dominant, Autosomal Recessive and X-Linked Classification Criteria (2023). Collection method: clinical testing. Allele origin: unknown.
Comment: This variant is considered likely benign. This variant is intronic and is not expected to impact mRNA splicing.

Women's Health and Genetics/Laboratory Corporation of America, LabCorp
Classification: Likely benign. Last evaluated: 2025-04-29. Review status: criteria provided, single submitter. Criteria: LabCorp Variant Classification Summary - May 2015. Collection method: clinical testing. Allele origin: germline.
Comment: Variant summary: TSC2 c.3884-7C>T alters a non-conserved nucleotide located at a position not widely known to affect splicing. Consensus agreement among computation tools predict no significant impact on normal splicing. However, these predictions have yet to be confirmed by functional studies. The variant was absent in 189938 control chromosomes. The available data on variant occurrences in the general population are insufficient to allow any conclusion about variant significance. To our knowledge, no occurrence of c.3884-7C>T in individuals affected with Tuberous Sclerosis Complex and no experimental evidence demonstrating its impact on protein function have been reported. ClinVar contains an entry for this variant (Variation ID: 792589). Based on the evidence outlined above, the variant was classified as likely benign.

Labcorp Genetics (formerly Invitae), Labcorp
Classification: Likely benign for Tuberous sclerosis 2. Last evaluated: 2024-04-07. Review status: criteria provided, single submitter. Criteria: Invitae Variant Classification Sherloc (09022015). Collection method: clinical testing. Allele origin: germline.

NM_000548.5(TSC2):c.3884-7C>T

Gene: TSC2 (TSC complex subunit 2; plus strand). Cytogenetic location: 16p13.3.
Variant type: single nucleotide variant.
Coding change: c.3884-7C>T on transcript NM_000548.5 (MANE Select); 7 bases into the intron before coding-DNA position 3884, C replaced by T.
Molecular consequence: intron variant.
Genome position (GRCh38, 1-based): chr16:2,083,688, C>T. VCF-style: chr16-2083688-C-T. GRCh37 (hg19) VCF-style: chr16-2133689-C-T.
Other names: c.3884-7C>T (NM_000548.4); c.3815-7C>T (NM_001114382.3); c.3755-7C>T (NM_021055.3, NM_001370405.1); c.3686-7C>T (NM_001363528.2); c.3752-7C>T (NM_001370404.1); c.3683-7C>T (NM_001077183.3); c.3575-7C>T (NM_001318827.2); c.3152-7C>T (NM_001318831.2); and 2 more.
Identifiers: ClinVar variation 792589 (VCV000792589.13), dbSNP rs1277989059, ClinGen allele CA718916163.
Genomic context (GRCh38, chr16:2,083,688, plus strand): 5'-GGAGGCCACGTCAGGGCCAGGGCCTGGCCCAGCCCCACATCCAGCAGCCCCGTCTGTGTC[C>T]TCCCAGACTCCGCCGTGGTCATGGAGGAGGGAAGTCCGGGCGAGGTTCCTGTGCTGGTGG-3'